The following is an entry in ClinVar:

NM_001365536.1(SCN9A):c.4900C>T (p.Leu1634Phe)

Genes: SCN1A-AS1 (SCN1A and SCN9A antisense RNA 1; plus strand), SCN9A (sodium voltage-gated channel alpha subunit 9; minus strand). Cytogenetic location: 2q24.3.
Variant type: single nucleotide variant.
Coding change: c.4900C>T on transcript NM_001365536.1 (MANE Select); coding-DNA position 4900, C replaced by T.
Protein change: p.Leu1634Phe; replaces leucine 1634 with phenylalanine.
Molecular consequence: missense variant. On other transcripts: non-coding transcript variant (1).
Genome position (GRCh38, 1-based): chr2:166,199,739, G>A on the plus strand (C>T on the coding strand, the complement: SCN9A is on the minus strand). VCF-style: chr2-166199739-G-A. GRCh37 (hg19) VCF-style: chr2-167056249-G-A.
Other names: c.4867C>T, p.Leu1623Phe (NM_002977.4); short protein forms L1634F, L1623F.
Identifiers: ClinVar variation 1503007 (VCV001503007.9), dbSNP rs1693390231, ClinGen allele CA349055221.

ClinVar aggregate classification (germline): Uncertain significance. Review status: criteria provided, multiple submitters, no conflicts (2 of 4 stars). 2 submissions from 2 submitters: Uncertain significance (2). Last evaluated 2025-06-02.

Conditions:
Inborn genetic diseases. Identifiers: MedGen C0950123, MeSH D030342.
Neuropathy, hereditary sensory and autonomic, type 2A (HSAN2A). Also called: WNK1-Related HSAN2 (HSAN2A); HSAN IIA; ACROOSTEOLYSIS, GIACCAI TYPE; ACROOSTEOLYSIS, NEUROGENIC; MORVAN DISEASE; NEUROPATHY, CONGENITAL SENSORY. Identifiers: Orphanet 970, MedGen C2752089, MONDO:0024309, OMIM 201300.
Generalized epilepsy with febrile seizures plus, type 7 (GEFSP7). Also called: GEFS+, TYPE 7. Identifiers: Orphanet 36387, MedGen C2751778, MONDO:0013470, OMIM 613863.

Allele frequency attached by ClinVar (database versions not stated): gnomAD exomes below 0.00001; TOPMed 0.00001.
gnomAD v4.1: 1 of 1,614,130 alleles (0.000062%); highest among the groups gnomAD compares: Admixed American, 0.0017%; no homozygotes.

Submissions (2):

Labcorp Genetics (formerly Invitae), Labcorp
Classification: Uncertain significance for Neuropathy, hereditary sensory and autonomic, type 2A; Generalized epilepsy with febrile seizures plus, type 7. Last evaluated: 2025-06-02. Review status: criteria provided, single submitter. Criteria: Invitae Variant Classification Sherloc (09022015). Collection method: clinical testing. Allele origin: germline.
Comment: This sequence change replaces leucine, which is neutral and non-polar, with phenylalanine, which is neutral and non-polar, at codon 1623 of the SCN9A protein (p.Leu1623Phe). This variant is not present in population databases (gnomAD no frequency). This variant has not been reported in the literature in individuals affected with SCN9A-related conditions. ClinVar contains an entry for this variant (Variation ID: 1503007). Invitae Evidence Modeling of protein sequence and biophysical properties (such as structural, functional, and spatial information, amino acid conservation, physicochemical variation, residue mobility, and thermodynamic stability) has been performed for this missense variant. However, the output from this modeling did not meet the statistical confidence thresholds required to predict the impact of this variant on SCN9A protein function. In summary, the available evidence is currently insufficient to determine the role of this variant in disease. Therefore, it has been classified as a Variant of Uncertain Significance.

Ambry Genetics
Classification: Uncertain significance for Inborn genetic diseases. Last evaluated: 2024-06-22. Review status: criteria provided, single submitter. Criteria: Ambry Variant Classification Scheme 2023. Collection method: clinical testing. Allele origin: germline.